The following is an entry in ClinVar:

ClinVar aggregate classification (germline): Uncertain significance (1 of 4 stars; one submission).

Conditions:
Tuberous sclerosis 2 (TSC2). Identifiers: Orphanet 805, MedGen C1860707, MONDO:0013199, OMIM 613254.

gnomAD v4.1: 1 of 1,587,468 alleles (0.000063%); highest among the groups gnomAD compares: Non-Finnish European, 0.000086%; no homozygotes.

Submission:

Labcorp Genetics (formerly Invitae), Labcorp
Classification: Uncertain significance for Tuberous sclerosis 2. Last evaluated: 2020-03-03. Review status: criteria provided, single submitter. Criteria: Invitae Variant Classification Sherloc (09022015). Collection method: clinical testing. Allele origin: germline.
Comment: This sequence change replaces isoleucine with threonine at codon 1662 of the TSC2 protein (p.Ile1662Thr). The isoleucine residue is highly conserved and there is a moderate physicochemical difference between isoleucine and threonine. This variant is not present in population databases (ExAC no frequency). This variant has not been reported in the literature in individuals with TSC2-related conditions. Algorithms developed to predict the effect of missense changes on protein structure and function are either unavailable or do not agree on the potential impact of this missense change (SIFT: "Deleterious"; PolyPhen-2: "Probably Damaging"; Align-GVGD: "Class C0"). In summary, the available evidence is currently insufficient to determine the role of this variant in disease. Therefore, it has been classified as a Variant of Uncertain Significance.

NM_000548.5(TSC2):c.4985T>C (p.Ile1662Thr)

Gene: TSC2 (TSC complex subunit 2; plus strand). Cytogenetic location: 16p13.3.
Variant type: single nucleotide variant.
Coding change: c.4985T>C on transcript NM_000548.5 (MANE Select); coding-DNA position 4985, T replaced by C.
Protein change: p.Ile1662Thr; replaces isoleucine 1662 with threonine.
Molecular consequence: missense variant.
Genome position (GRCh38, 1-based): chr16:2,086,867, T>C. VCF-style: chr16-2086867-T-C. GRCh37 (hg19) VCF-style: chr16-2136868-T-C.
Other names: c.4784T>C, p.Ile1595Thr (NM_001077183.3); c.4916T>C, p.Ile1639Thr (NM_001114382.3); c.4676T>C, p.Ile1559Thr (NM_001318827.2); c.4640T>C, p.Ile1547Thr (NM_001318829.2); c.4253T>C, p.Ile1418Thr (NM_001318831.2); c.4856T>C, p.Ile1619Thr (NM_021055.3, NM_001370405.1); c.4817T>C, p.Ile1606Thr (NM_001318832.2); c.4787T>C, p.Ile1596Thr (NM_001363528.2); and 1 more; short protein forms I1418T, I1547T, I1559T, I1595T, I1596T, I1606T, I1618T, I1619T.
Identifiers: ClinVar variation 1058059 (VCV001058059.9), dbSNP rs2151589598, ClinGen allele CA394309200.